The following is an entry in ClinVar:

ClinVar aggregate classification (germline): Uncertain significance. Review status: criteria provided, multiple submitters, no conflicts (2 of 4 stars). 2 submissions from 2 submitters: Uncertain significance (2). Last evaluated 2022-06-02.

Conditions:
Autosomal recessive nonsyndromic hearing loss 24. Identifiers: Orphanet 90636, MedGen C1970239, MONDO:0012602, OMIM 611022.

Allele frequency attached by ClinVar (database versions not stated): gnomAD exomes 0.00007 and 0.00025; ExAC 0.00009; ESP Exome Variant Server 0.00015; gnomAD 0.00017; TOPMed 0.00017.
gnomAD v4.1: 396 of 1,612,068 alleles (0.025%); highest among the groups gnomAD compares: Non-Finnish European, 0.031%; no homozygotes.

Submissions (2):

Labcorp Genetics (formerly Invitae), Labcorp
Classification: Uncertain significance. Last evaluated: 2022-06-02. Review status: criteria provided, single submitter. Criteria: Invitae Variant Classification Sherloc (09022015). Collection method: clinical testing. Allele origin: germline.
Comment: This sequence change replaces arginine, which is basic and polar, with histidine, which is basic and polar, at codon 350 of the RDX protein (p.Arg350His). This variant is present in population databases (rs377016439, gnomAD 0.02%). This variant has not been reported in the literature in individuals affected with RDX-related conditions. ClinVar contains an entry for this variant (Variation ID: 302348). Algorithms developed to predict the effect of missense changes on protein structure and function are either unavailable or do not agree on the potential impact of this missense change (SIFT: "Deleterious"; PolyPhen-2: "Possibly Damaging"; Align-GVGD: "Class C0"). In summary, the available evidence is currently insufficient to determine the role of this variant in disease. Therefore, it has been classified as a Variant of Uncertain Significance.

Illumina Laboratory Services, Illumina
Classification: Uncertain significance for Autosomal recessive nonsyndromic hearing loss 24. Last evaluated: 2018-01-13. Review status: criteria provided, single submitter. Criteria: ICSL Variant Classification Criteria 13 December 2019. Collection method: clinical testing. Allele origin: germline.

NM_002906.4(RDX):c.1049G>A (p.Arg350His)

Gene: RDX (radixin; minus strand). Cytogenetic location: 11q22.3.
Variant type: single nucleotide variant.
Coding change: c.1049G>A on transcript NM_002906.4 (MANE Select); coding-DNA position 1049, G replaced by A.
Protein change: p.Arg350His; replaces arginine 350 with histidine.
Molecular consequence: missense variant. On other transcripts: intron variant (1).
Genome position (GRCh38, 1-based): chr11:110,247,744, C>T on the plus strand (G>A on the coding strand, the complement: RDX is on the minus strand). VCF-style: chr11-110247744-C-T. GRCh37 (hg19) VCF-style: chr11-110118469-C-T.
Other names: c.1049G>A, p.Arg350His (NM_001260492.2, NM_001260493.2); c.641G>A, p.Arg214His (NM_001260494.2); c.8G>A, p.Arg3His (NM_001260495.2); c.404+10413G>A (NM_001260496.2); short protein forms R350H, R214H, R3H.
Identifiers: ClinVar variation 302348 (VCV000302348.6), dbSNP rs377016439, ClinGen allele CA6270150.
Genomic context (GRCh38, chr11:110,247,744, plus strand): 5'-TCAAAAAAGAAACTTTTACCTTTCTGAGCTTTAATTGTCTGCTCTTCAATTTGTTTTAGA[C>T]GTTCCATTAGCTCTTCCTTTTCACGTTCTATTCTTTCCTTTTCCTTTTCTGCTATTTCTC-3'
Protein context (NP_002897.1, residues 340-360): IEREKEELME[Arg350His]LKQIEEQTIK